The following is an entry in ClinVar:

ClinVar aggregate classification (germline): Uncertain significance. Review status: criteria provided, multiple submitters, no conflicts (2 of 4 stars). 6 submissions from 6 submitters: Uncertain significance (6). Last evaluated 2025-10-08.

Conditions:
Inborn genetic diseases. Identifiers: MedGen C0950123, MeSH D030342.
Charcot-Marie-Tooth disease axonal type 2S. Also called: CHARCOT-MARIE-TOOTH NEUROPATHY, TYPE 2S; CHARCOT-MARIE-TOOTH DISEASE, AXONAL, AUTOSOMAL RECESSIVE, TYPE 2S. Identifiers: Orphanet 443073, MedGen C4015349, MONDO:0014511, OMIM 616155.
Autosomal recessive distal spinal muscular atrophy 1. Also called: HMN VI; NEURONOPATHY, SEVERE INFANTILE AXONAL, WITH RESPIRATORY FAILURE; SEVERE INFANTILE AXONAL NEUROPATHY WITH RESPIRATORY FAILURE; SPINAL MUSCULAR ATROPHY, DIAPHRAGMATIC; Spinal muscular atrophy with respiratory distress 1; NEURONOPATHY, DISTAL HEREDITARY MOTOR, HARDING TYPE VI. Identifiers: Orphanet 98920, MedGen C1858517, MONDO:0011436, OMIM 604320.

Allele frequency attached by ClinVar (database versions not stated): TOPMed 0.00003; gnomAD 0.00005 and 0.00006; gnomAD exomes 0.00006 and 0.00007; ExAC 0.00007; ESP Exome Variant Server 0.00008; 1000 Genomes Project 30x 0.00016; 1000 Genomes Project 0.00020.
gnomAD v4.1: 109 of 1,611,612 alleles (0.0068%); highest among the groups gnomAD compares: South Asian, 0.013%; no homozygotes.

Submissions (6):

Mayo Clinic Laboratories, Mayo Clinic
Classification: Uncertain significance. Last evaluated: 2025-10-08. Review status: criteria provided, single submitter. Criteria: ACMG Guidelines, 2015. Collection method: clinical testing. Allele origin: germline. Observed: 1 variant allele.
Comment: BP4

Labcorp Genetics (formerly Invitae), Labcorp
Classification: Uncertain significance for Autosomal recessive distal spinal muscular atrophy 1; Charcot-Marie-Tooth disease axonal type 2S. Last evaluated: 2022-09-06. Review status: criteria provided, single submitter. Criteria: Invitae Variant Classification Sherloc (09022015). Collection method: clinical testing. Allele origin: germline.
Comment: This sequence change replaces arginine, which is basic and polar, with histidine, which is basic and polar, at codon 918 of the IGHMBP2 protein (p.Arg918His). This variant is present in population databases (rs368584364, gnomAD 0.01%). This variant has not been reported in the literature in individuals affected with IGHMBP2-related conditions. ClinVar contains an entry for this variant (Variation ID: 305860). Advanced modeling of protein sequence and biophysical properties (such as structural, functional, and spatial information, amino acid conservation, physicochemical variation, residue mobility, and thermodynamic stability) performed at Invitae indicates that this missense variant is not expected to disrupt IGHMBP2 protein function. In summary, the available evidence is currently insufficient to determine the role of this variant in disease. Therefore, it has been classified as a Variant of Uncertain Significance.

Ambry Genetics
Classification: Uncertain significance for Inborn genetic diseases. Last evaluated: 2021-12-03. Review status: criteria provided, single submitter. Criteria: Ambry Variant Classification Scheme 2023. Collection method: clinical testing. Allele origin: germline.

GeneDx
Classification: Uncertain significance. Last evaluated: 2021-11-01. Review status: criteria provided, single submitter. Criteria: GeneDx Variant Classification Process June 2021. Collection method: clinical testing. Allele origin: germline. Affected: yes.
Comment: Not observed at a significant frequency in large population cohorts (Lek et al., 2016); In silico analysis supports that this missense variant does not alter protein structure/function; Has not been previously published as pathogenic or benign to our knowledge

Illumina Laboratory Services, Illumina
Classification: Uncertain significance for Autosomal recessive distal spinal muscular atrophy 1. Last evaluated: 2018-01-13. Review status: criteria provided, single submitter. Criteria: ICSL Variant Classification Criteria 13 December 2019. Collection method: clinical testing. Allele origin: germline.

ARUP Laboratories, Molecular Genetics and Genomics, ARUP Laboratories
Classification: Uncertain significance. Last evaluated: 2017-05-02. Review status: criteria provided, single submitter. Criteria: ARUP Molecular Germline Variant Investigation Process. Collection method: clinical testing. Allele origin: germline.
Comment: The p.Arg918His variant (rs368584364) has not been reported in the medical literature, nor has it been previously identified in our laboratory; however, it is listed in the ClinVar database as a variant of uncertain significance (Variation ID: 305860). It is listed in the NHLBI GO Exome Sequencing Project (ESP) with an overall allele frequency of 0.008% (identified in 1 out of 12,976 chromosomes), and in the Exome Aggregation Consortium (ExAC) browser with an overall frequency of 0.007% (identified in 7 out of 105,500 chromosomes). The arginine at codon 918 is moderately conserved considering 11 species (Alamut software v2.8.1), and computational analyses suggest this variant does not have a significant effect on IGHMBP2 protein structure/function (SIFT: tolerated, PolyPhen2: benign, and Mutation Taster: polymorphism). However, based on the available information, the clinical significance of the p.Arg918His variant cannot be determined with certainty.

NM_002180.3(IGHMBP2):c.2753G>A (p.Arg918His)

Gene: IGHMBP2 (immunoglobulin mu DNA binding protein 2; plus strand). Cytogenetic location: 11q13.3.
Variant type: single nucleotide variant.
Coding change: c.2753G>A on transcript NM_002180.3 (MANE Select); coding-DNA position 2753, G replaced by A.
Protein change: p.Arg918His; replaces arginine 918 with histidine.
Molecular consequence: missense variant.
Genome position (GRCh38, 1-based): chr11:68,938,323, G>A. VCF-style: chr11-68938323-G-A. GRCh37 (hg19) VCF-style: chr11-68705791-G-A.
Other names: short protein forms R918H.
Identifiers: ClinVar variation 305860 (VCV000305860.18), dbSNP rs368584364, ClinGen allele CA6153995.
Genomic context (GRCh38, chr11:68,938,323, plus strand): 5'-GCTTTGCCAAGTGCACAGCCGGCGTCACAACCCTGGGCCAGTTCTGCCAGCTCTGCAGCC[G>A]CCGCTACTGCCTCAGCCACCACCTGCCCGAGGTATGTCGGCCTCCCCTCCTGCGATCAAA-3'
Protein context (NP_002171.2, residues 908-928): TLGQFCQLCS[Arg918His]RYCLSHHLPE